The following is an entry in ClinVar:

ClinVar aggregate classification (germline): Conflicting classifications of pathogenicity. Review status: criteria provided, conflicting classifications (1 of 4 stars). 2 submissions from 2 submitters: Uncertain significance (1); Likely benign (1). Last evaluated 2024-04-04.

Submissions (3):

Women's Health and Genetics/Laboratory Corporation of America, LabCorp
Classification: Likely benign. Last evaluated: 2024-04-04. Review status: criteria provided, single submitter. Criteria: LabCorp Variant Classification Summary - May 2015. Collection method: clinical testing. Allele origin: germline.
Comment: Variant summary: BRCA1 c.5152+9A>C alters a non-conserved nucleotide located at a position not widely known to affect splicing. Consensus agreement among computation tools predict no significant impact on normal splicing. However, these predictions have yet to be confirmed by functional studies. The variant was absent in 251142 control chromosomes (gnomAD). The available data on variant occurrences in the general population are insufficient to allow any conclusion about variant significance. To our knowledge, no occurrence of c.5152+9A>C in individuals affected with Hereditary Breast And Ovarian Cancer Syndrome has been reported. At least one publication reports experimental evidence evaluating an impact on protein function. These results showed no damaging effect of this variant (Findlay_2018). The following publication has been ascertained in the context of this evaluation (PMID: 30209399). ClinVar contains an entry for this variant (Variation ID: 619796). Based on the evidence outlined above, the variant was classified as likely benign.

Quest Diagnostics Nichols Institute San Juan Capistrano
Classification: Uncertain significance. Last evaluated: 2017-08-29. Review status: criteria provided, single submitter. Criteria: Quest Diagnostics criteria. Collection method: clinical testing. Allele origin: germline.

Brotman Baty Institute, University of Washington
No classification provided (evidence only). Condition: Breast-ovarian cancer, familial 1. Review status: no classification provided. Collection method: in vitro. Allele origin: not applicable. Functional consequence: functionally_normal. Not counted in ClinVar's aggregate classification.
ClinVar note: "not provided" was previously submitted as the classification for the variant. However, the classification appeared to be based only on an observation of functional data so it was converted to no classification on 2025-07-30.

Literature cited by the submitters: PubMed 30209399 (cited by Women's Health and Genetics/Laboratory Corporation of America, LabCorp).

NM_007294.4(BRCA1):c.5152+9A>C

Gene: BRCA1 (BRCA1 DNA repair associated; minus strand). Cytogenetic location: 17q21.31.
Variant type: single nucleotide variant.
Coding change: c.5152+9A>C on transcript NM_007294.4 (MANE Select); 9 bases into the intron after coding-DNA position 5152, A replaced by C.
Molecular consequence: intron variant.
Genome position (GRCh38, 1-based): chr17:43,063,865, T>G on the plus strand (A>C on the coding strand, the complement: BRCA1 is on the minus strand). VCF-style: chr17-43063865-T-G. GRCh37 (hg19) VCF-style: chr17-41215882-T-G.
Other names: c.1702+9A>C (NM_001408456.1, NM_001408453.1, NM_001408455.1 and 3 more transcripts); c.5008+9A>C (NM_001407733.1, NM_001407751.1, NM_001407740.1 and 21 more transcripts); c.5011+9A>C (NM_001407942.1, NM_001407694.1, NM_001407696.1 and 13 more transcripts); c.1699+9A>C (NM_001408465.1, NM_001408463.1, NM_001408462.1 and 7 more transcripts); c.1630+9A>C (NM_001408482.1, NM_001408484.1, NM_001408485.1 and 5 more transcripts); c.4888+9A>C (NM_001407920.1, NM_001407923.1, NM_001407922.1 and 4 more transcripts); c.4816+9A>C (NM_001407954.1, NM_001407952.1, NM_001407950.1 and 3 more transcripts); c.1576+9A>C (NM_001408504.1, NM_001408503.1, NM_001408502.1); and 73 more.
Identifiers: ClinVar variation 619796 (VCV000619796.6), dbSNP rs1060504576, ClinGen allele CA913190335.